The following is an entry in ClinVar:

ClinVar aggregate classification (germline): Uncertain significance (1 of 4 stars; one submission).

Conditions:
Landau-Kleffner syndrome (FESD). Also called: EPILEPSY, FOCAL, WITH SPEECH DISORDER AND WITH OR WITHOUT MENTAL RETARDATION; APHASIA, ACQUIRED, WITH EPILEPSY. Identifiers: Orphanet 1945, Orphanet 725, Orphanet 98818, MedGen C0282512, MONDO:0009509, OMIM 245570.

Submission:

Labcorp Genetics (formerly Invitae), Labcorp
Classification: Uncertain significance for Landau-Kleffner syndrome. Last evaluated: 2018-11-01. Review status: criteria provided, single submitter. Criteria: Invitae Variant Classification Sherloc (09022015). Collection method: clinical testing. Allele origin: germline.
Comment: This variant has not been reported in the literature in individuals with GRIN2A-related disease. In summary, the available evidence is currently insufficient to determine the role of this variant in disease. Therefore, it has been classified as a Variant of Uncertain Significance. Algorithms developed to predict the effect of missense changes on protein structure and function output the following: SIFT: "Tolerated"; PolyPhen-2: "Benign"; Align-GVGD: "Class C0". The alanine amino acid residue is found in multiple mammalian species, suggesting that this missense change does not adversely affect protein function. These predictions have not been confirmed by published functional studies and their clinical significance is uncertain. This variant is not present in population databases (ExAC no frequency). This sequence change replaces valine with alanine at codon 1090 of the GRIN2A protein (p.Val1090Ala). The valine residue is weakly conserved and there is a small physicochemical difference between valine and alanine.

NM_001134407.3(GRIN2A):c.3269T>C (p.Val1090Ala)

Gene: GRIN2A (glutamate ionotropic receptor NMDA type subunit 2A; minus strand). Cytogenetic location: 16p13.2.
Variant type: single nucleotide variant.
Coding change: c.3269T>C on transcript NM_001134407.3 (MANE Select); coding-DNA position 3269, T replaced by C.
Protein change: p.Val1090Ala; replaces valine 1090 with alanine.
Molecular consequence: missense variant.
Genome position (GRCh38, 1-based): chr16:9,764,275, A>G on the plus strand (T>C on the coding strand, the complement: GRIN2A is on the minus strand). VCF-style: chr16-9764275-A-G. GRCh37 (hg19) VCF-style: chr16-9858132-A-G.
Other names: c.3269T>C, p.Val1090Ala (NM_000833.5, NM_001134408.2); short protein forms V1090A.
Identifiers: ClinVar variation 660261 (VCV000660261.9), dbSNP rs1596376431, ClinGen allele CA394708235.